The following is an entry in ClinVar:

NM_001127222.2(CACNA1A):c.4042_4043dup (p.Val1349fs)

Gene: CACNA1A (calcium voltage-gated channel subunit alpha1 A; minus strand). Cytogenetic location: 19p13.13.
Variant type: Duplication.
Coding change: c.4042_4043dup on transcript NM_001127222.2 (MANE Select); coding-DNA positions 4042 to 4043, 2 bases duplicated (CG; older notation c.4042_4043dupCG).
Protein change: p.Val1349fs; shifts the reading frame from valine 1349.
Molecular consequence: frameshift variant.
Genome position (GRCh38, 1-based): chr19:13,262,780-13,262,781, CG duplicated on the plus strand (CG on the coding strand, the reverse complement: CACNA1A is on the minus strand). VCF-style (leftmost placement, unchanged base first): chr19-13262779-C-CCG. GRCh37 (hg19) VCF-style: chr19-13373593-C-CCG.
Other names: c.4054_4055dup, p.Val1353fs (NM_000068.4, NM_023035.3); c.4045_4046dup, p.Val1350fs (NM_001127221.2, NM_001174080.2); c.4045_4046dupCG (NM_001127221.2); short protein forms V1349fs, V1350fs, V1353fs.
Identifiers: ClinVar variation 3907656 (VCV003907656.1).

ClinVar aggregate classification (germline): Pathogenic (1 of 4 stars; one submission).

Conditions:
Developmental and epileptic encephalopathy, 42 (DEE42A). Also called: DEVELOPMENTAL AND EPILEPTIC ENCEPHALOPATHY 42A; EPILEPTIC ENCEPHALOPATHY, EARLY INFANTILE, 42A; Epileptic encephalopathy, early infantile, 42. Identifiers: MedGen C4310716, MONDO:0014917, OMIM 617106.

Submission:

Women's Health and Genetics/Laboratory Corporation of America, LabCorp
Classification: Pathogenic for Developmental and epileptic encephalopathy, 42. Last evaluated: 2025-06-19. Review status: criteria provided, single submitter. Criteria: LabCorp Variant Classification Summary - May 2015. Collection method: clinical testing. Allele origin: germline.
Comment: Variant summary: CACNA1A c.4045_4046dupCG (p.Val1350GlyfsX23) results in a premature termination codon, predicted to cause absence of the protein due to nonsense mediated decay, which is a commonly known mechanism for disease. The variant was absent in 248992 control chromosomes (gnomAD). To our knowledge, no occurrence of c.4045_4046dupCG in individuals affected with Epileptic Encephalopathy, Early Infantile, 42 and no experimental evidence demonstrating its impact on protein function have been reported. No submitters have cited clinical-significance assessments for this variant to ClinVar. Based on the evidence outlined above, the variant was classified as pathogenic.